The following is an entry in ClinVar:

NM_021076.4(NEFH):c.1049A>C (p.Glu350Ala)

Gene: NEFH (neurofilament heavy chain; plus strand). Cytogenetic location: 22q12.2.
Variant type: single nucleotide variant.
Coding change: c.1049A>C on transcript NM_021076.4 (MANE Select); coding-DNA position 1049, A replaced by C.
Protein change: p.Glu350Ala; replaces glutamic acid 350 with alanine.
Molecular consequence: missense variant.
Genome position (GRCh38, 1-based): chr22:29,483,540, A>C. VCF-style: chr22-29483540-A-C. GRCh37 (hg19) VCF-style: chr22-29879529-A-C.
Other names: short protein forms E350A.
Identifiers: ClinVar variation 2760233 (VCV002760233.3), dbSNP rs2517972168, ClinGen allele CA411125670.

ClinVar aggregate classification (germline): Uncertain significance (1 of 4 stars; one submission).

Allele frequency attached by ClinVar (database versions not stated): gnomAD exomes below 0.00001.
gnomAD v4.1: 1 of 1,613,886 alleles (0.000062%); highest among the groups gnomAD compares: Non-Finnish European, 0.000085%; no homozygotes.

Submission:

Labcorp Genetics (formerly Invitae), Labcorp
Classification: Uncertain significance. Last evaluated: 2023-09-12. Review status: criteria provided, single submitter. Criteria: Invitae Variant Classification Sherloc (09022015). Collection method: clinical testing. Allele origin: germline.
Comment: This variant is not present in population databases (gnomAD no frequency). In summary, the available evidence is currently insufficient to determine the role of this variant in disease. Therefore, it has been classified as a Variant of Uncertain Significance. Experimental studies and prediction algorithms are not available or were not evaluated, and the functional significance of this variant is currently unknown. This variant has not been reported in the literature in individuals affected with NEFH-related conditions. This sequence change replaces glutamic acid, which is acidic and polar, with alanine, which is neutral and non-polar, at codon 350 of the NEFH protein (p.Glu350Ala).